The following is an entry in ClinVar:

NM_020975.6(RET):c.677G>T (p.Arg226Leu)

Gene: RET (ret proto-oncogene; plus strand). Cytogenetic location: 10q11.21.
Variant type: single nucleotide variant.
Coding change: c.677G>T on transcript NM_020975.6 (MANE Select); coding-DNA position 677, G replaced by T.
Protein change: p.Arg226Leu; replaces arginine 226 with leucine.
Molecular consequence: missense variant. On other transcripts: intron variant (22), 5 prime UTR variant (1).
Genome position (GRCh38, 1-based): chr10:43,105,003, G>T. VCF-style: chr10-43105003-G-T. GRCh37 (hg19) VCF-style: chr10-43600451-G-T.
Other names: c.389G>T, p.Arg130Leu (NM_001406770.1, NM_001406766.1, NM_001406767.1); c.677G>T, p.Arg226Leu (NM_001406772.1, NM_020630.7, NM_001406743.1 and 6 more transcripts); c.548G>T, p.Arg183Leu (NM_001406774.1, NM_001406761.1, NM_001406762.1 and 2 more transcripts); c.625+2374G>T (NM_001406773.1, NM_001406771.1, NM_001406782.1 and 5 more transcripts); c.496+2374G>T (NM_001406786.1, NM_001406783.1); c.338-4028G>T (NM_001406778.1, NM_001406775.1, NM_001406776.1 and 1 more transcripts); c.337+4281G>T (NM_001406790.1, NM_001406788.1, NM_001406789.1 and 1 more transcripts); c.-86G>T (NM_001355216.2); and 2 more; short protein forms R130L, R183L, R226L.
Identifiers: ClinVar variation 3609527 (VCV003609527.4).
Genomic context (GRCh38, chr10:43,105,003, plus strand): 5'-GGTGCGCAGGTGAGGGTCTGCCCTTCCGCTGCGCCCCGGACAGCCTGGAGGTGAGCACGC[G>T]CTGGGCCCTGGACCGCGAGCAGCGGGAGAAGTACGAGCTGGTGGCCGTGTGCACCGTGCA-3'
Protein context (NP_066124.1, residues 216-236): CAPDSLEVST[Arg226Leu]WALDREQREK

ClinVar aggregate classification (germline): Conflicting classifications of pathogenicity. Review status: criteria provided, conflicting classifications (1 of 4 stars). 2 submissions from 2 submitters: Uncertain significance (1); Likely benign (1). Last evaluated 2026-08-28.

Conditions:
Multiple endocrine neoplasia, type 2 (MEN2). Identifiers: Orphanet 653, MedGen C4048306, MONDO:0019003. Disease mechanism: gain of function.
Hereditary cancer-predisposing syndrome. Also called: Hereditary neoplastic syndrome; Neoplastic Syndromes, Hereditary; Tumor predisposition; Hereditary Cancer Syndrome. Identifiers: Orphanet 140162, MedGen C0027672, MeSH D009386, MONDO:0015356.

gnomAD v4.1: 1 of 1,591,712 alleles (0.000063%); highest among the groups gnomAD compares: Non-Finnish European, 0.000085%; no homozygotes.

Submissions (2):

Ambry Genetics
Classification: Likely benign for Hereditary cancer-predisposing syndrome. Last evaluated: 2026-08-28. Review status: criteria provided, single submitter. Criteria: Ambry Variant Classification Scheme 2023. Collection method: clinical testing. Allele origin: germline.

Labcorp Genetics (formerly Invitae), Labcorp
Classification: Uncertain significance for Multiple endocrine neoplasia, type 2. Last evaluated: 2024-08-06. Review status: criteria provided, single submitter. Criteria: Invitae Variant Classification Sherloc (09022015). Collection method: clinical testing. Allele origin: germline.
Comment: This sequence change replaces arginine, which is basic and polar, with leucine, which is neutral and non-polar, at codon 226 of the RET protein (p.Arg226Leu). This variant is not present in population databases (gnomAD no frequency). This variant has not been reported in the literature in individuals affected with RET-related conditions. An algorithm developed to predict the effect of missense changes on protein structure and function outputs the following: PolyPhen-2: "Benign". The leucine amino acid residue is found in multiple mammalian species, which suggests that this missense change does not adversely affect protein function. In summary, the available evidence is currently insufficient to determine the role of this variant in disease. Therefore, it has been classified as a Variant of Uncertain Significance.